The following is an entry in ClinVar:

ClinVar aggregate classification (germline): Conflicting classifications of pathogenicity. Review status: criteria provided, conflicting classifications (1 of 4 stars). 5 submissions from 5 submitters: Uncertain significance (3); Likely benign (2). Last evaluated 2026-10-01.

Conditions:
Hereditary cancer-predisposing syndrome. Also called: Hereditary neoplastic syndrome; Hereditary Cancer Syndrome; Neoplastic Syndromes, Hereditary; Tumor predisposition. Identifiers: Orphanet 140162, MedGen C0027672, MeSH D009386, MONDO:0015356.
Microcephaly, normal intelligence and immunodeficiency (NBS). Also called: SEEMANOVA SYNDROME II; Nijmegen breakage syndrome; Microcephaly with normal intelligence immunodeficiency and lymphoreticular malignancies; Nonsyndromal microcephaly autosomal recessive with normal intelligence; Seemanova syndrome 2; BERLIN BREAKAGE SYNDROME. Identifiers: Orphanet 647, MedGen C0398791, MONDO:0009623, OMIM 251260.

Allele frequency attached by ClinVar (database versions not stated): ExAC 0.00003; gnomAD exomes 0.00004; gnomAD 0.00005 and 0.00006; TOPMed 0.00008; 1000 Genomes Project 0.00020; 1000 Genomes Project 30x 0.00031.
gnomAD v4.1: 27 of 1,613,390 alleles (0.0017%); highest among the groups gnomAD compares: African/African-American, 0.032%; no homozygotes.

Submissions (5):

St. Jude Molecular Pathology, St. Jude Children's Research Hospital
Classification: Uncertain significance for Microcephaly, normal intelligence and immunodeficiency. Last evaluated: 2026-10-01. Review status: criteria provided, single submitter. Criteria: St. Jude Assertion Criteria 2020. Collection method: clinical testing. Allele origin: germline.
Comment: The NBN c.1198G>A p.(Ala400Thr) missense change has a maximum subpopulation frequency of 0.04% in gnomAD v2.1.1. The in silico tool REVEL predicts a benign effect on protein function, but to our knowledge this prediction has not been confirmed by functional studies. To our knowledge, this variant has not been reported in individuals with Nijmegen breakage syndrome. In summary, the evidence currentl y available is insufficient to determine the clinical significance of this variant. It has therefore been classified as of uncertain significance.

Dasa
Classification: Uncertain significance. Last evaluated: 2026-03-18. Review status: criteria provided, single submitter. Criteria: DASA Assertion Criteria. Collection method: clinical testing. Allele origin: germline.
Comment: NM_002485.5(NBN):c.1198G>A (p.Ala400Thr) is a missense variant that results in the substitution of alanine with threonine. This variant is rare in population databases. Computational prediction algorithms are consistent with a benign effect. The currently available literature and clinical evidence are not sufficient to establish a definitive association between this variant and the reported condition. Therefore, this variant is classified as a variant of uncertain significance.

Quest Diagnostics Nichols Institute San Juan Capistrano
Classification: Uncertain significance. Last evaluated: 2024-06-11. Review status: criteria provided, single submitter. Criteria: Quest Diagnostics criteria. Collection method: clinical testing. Allele origin: unknown.
Comment: The NBN c.1198G>A (p.Ala400Thr) variant has been reported in individuals from a large cohort of patients with various cancer types (PMID: 36346689 (2023)). The frequency of this variant in the general population, 0.00044 (11/24936 chromosomes), is uninformative in assessment of its pathogenicity. Analysis of this variant using bioinformatics tools for the prediction of the effect of amino acid changes on protein structure and function yielded predictions that this variant is benign. Based on the available information, we are unable to determine the clinical significance of this variant.

Mendelics
Classification: Likely benign for Microcephaly, normal intelligence and immunodeficiency. Last evaluated: 2019-05-28. Review status: criteria provided, single submitter. Criteria: Mendelics Assertion Criteria 2017. Collection method: clinical testing. Allele origin: unknown.

Ambry Genetics
Classification: Likely benign for Hereditary cancer-predisposing syndrome. Last evaluated: 2018-06-05. Review status: criteria provided, single submitter. Criteria: Ambry Variant Classification Scheme 2023. Collection method: clinical testing. Allele origin: germline.

Literature cited by the submitters: PubMed 36346689 (cited by Quest Diagnostics Nichols Institute San Juan Capistrano).

NM_002485.5(NBN):c.1198G>A (p.Ala400Thr)

Gene: NBN (nibrin; minus strand). Cytogenetic location: 8q21.3.
Variant type: single nucleotide variant.
Coding change: c.1198G>A on transcript NM_002485.5 (MANE Select); coding-DNA position 1198, G replaced by A.
Protein change: p.Ala400Thr; replaces alanine 400 with threonine.
Molecular consequence: missense variant.
Genome position (GRCh38, 1-based): chr8:89,955,482, C>T on the plus strand (G>A on the coding strand, the complement: NBN is on the minus strand). VCF-style: chr8-89955482-C-T. GRCh37 (hg19) VCF-style: chr8-90967710-C-T.
Other names: c.952G>A, p.Ala318Thr (NM_001024688.3); short protein forms A400T, A318T.
Identifiers: ClinVar variation 232551 (VCV000232551.12), dbSNP rs551602980, ClinGen allele CA4802781.